The following is an entry in ClinVar:

NM_000219.6(KCNE1):c.308A>G (p.Tyr103Cys)

Gene: KCNE1 (potassium voltage-gated channel subfamily E regulatory subunit 1; minus strand). Cytogenetic location: 21q22.12.
Variant type: single nucleotide variant.
Coding change: c.308A>G on transcript NM_000219.6 (MANE Select); coding-DNA position 308, A replaced by G.
Protein change: p.Tyr103Cys; replaces tyrosine 103 with cysteine.
Molecular consequence: missense variant.
Genome position (GRCh38, 1-based): chr21:34,449,327, T>C on the plus strand (A>G on the coding strand, the complement: KCNE1 is on the minus strand). VCF-style: chr21-34449327-T-C. GRCh37 (hg19) VCF-style: chr21-35821625-T-C.
Other names: c.308A>G, p.Tyr103Cys (NM_001127668.4, NM_001127669.4, NM_001127670.4 and 4 more transcripts); short protein forms Y103C.
Identifiers: ClinVar variation 3374596 (VCV003374596.4).

ClinVar aggregate classification (germline): Likely benign (1 of 4 stars; one submission).

Conditions:
Long QT syndrome (LQTS). Identifiers: MedGen C0023976, MeSH D008133, MONDO:0002442. Disease mechanism: loss of function. Inheritance: Various modes of inheritance.

gnomAD v4.1: 41 of 1,536,248 alleles (0.0027%); highest among the groups gnomAD compares: Admixed American, 0.069%; 2 homozygotes.

Submissions (2):

Labcorp Genetics (formerly Invitae), Labcorp
Classification: Likely benign for Long QT syndrome. Last evaluated: 2024-12-27. Review status: criteria provided, single submitter. Criteria: Invitae Variant Classification Sherloc (09022015). Collection method: clinical testing. Allele origin: germline.

Roden Lab, Vanderbilt University Medical Center
No classification provided (evidence only). Condition: Long QT syndrome 5. Review status: no classification provided. Collection method: in vitro. Allele origin: not applicable. Functional consequence: Effect on ion channel function. Not counted in ClinVar's aggregate classification.
ClinVar note: "not provided" was previously submitted as the classification for the variant. However, the classification appeared to be based only on an observation of functional data so it was converted to no classification on 2025-07-30.